The following is an entry in ClinVar:

NM_006231.4(POLE):c.5689A>G (p.Lys1897Glu)

Gene: POLE (DNA polymerase epsilon, catalytic subunit; minus strand). Cytogenetic location: 12q24.33.
Variant type: single nucleotide variant.
Coding change: c.5689A>G on transcript NM_006231.4 (MANE Select); coding-DNA position 5689, A replaced by G.
Protein change: p.Lys1897Glu; replaces lysine 1897 with glutamic acid.
Molecular consequence: missense variant.
Genome position (GRCh38, 1-based): chr12:132,636,014, T>C on the plus strand (A>G on the coding strand, the complement: POLE is on the minus strand). VCF-style: chr12-132636014-T-C. GRCh37 (hg19) VCF-style: chr12-133212600-T-C.
Other names: c.5689A>G (NM_006231.2); short protein forms K1897E.
Identifiers: ClinVar variation 4742112 (VCV004742112.2).

ClinVar aggregate classification (germline): Uncertain significance. Review status: criteria provided, multiple submitters, no conflicts (2 of 4 stars). 2 submissions from 2 submitters: Uncertain significance (2). Last evaluated 2026-08-27.

Conditions:
Hereditary cancer-predisposing syndrome. Also called: Hereditary Cancer Syndrome; Hereditary neoplastic syndrome; Neoplastic Syndromes, Hereditary; Tumor predisposition. Identifiers: Orphanet 140162, MedGen C0027672, MeSH D009386, MONDO:0015356.

Submissions (2):

Ambry Genetics
Classification: Uncertain significance for Hereditary cancer-predisposing syndrome. Last evaluated: 2026-08-27. Review status: criteria provided, single submitter. Criteria: Ambry Variant Classification Scheme 2023. Collection method: clinical testing. Allele origin: germline.
Comment: The p.K1897E variant (also known as c.5689A>G), located in coding exon 42 of the POLE gene, results from an A to G substitution at nucleotide position 5689. The lysine at codon 1897 is replaced by glutamic acid, an amino acid with similar properties. This amino acid position is conserved. In addition, the in silico prediction for this alteration is inconclusive. Based on the available evidence, the clinical significance of this variant remains unclear.

Labcorp Genetics (formerly Invitae), Labcorp
Classification: Uncertain significance. Last evaluated: 2025-11-05. Review status: criteria provided, single submitter. Criteria: Invitae Variant Classification Sherloc (09022015). Collection method: clinical testing. Allele origin: germline.
Comment: This sequence change replaces lysine, which is basic and polar, with glutamic acid, which is acidic and polar, at codon 1897 of the POLE protein (p.Lys1897Glu). This variant is not present in population databases (gnomAD no frequency). This variant has not been reported in the literature in individuals affected with POLE-related conditions. Invitae Evidence Modeling of protein sequence and biophysical properties (such as structural, functional, and spatial information, amino acid conservation, physicochemical variation, residue mobility, and thermodynamic stability) indicates that this missense variant is not expected to disrupt POLE protein function with a negative predictive value of 80%. In summary, the available evidence is currently insufficient to determine the role of this variant in disease. Therefore, it has been classified as a Variant of Uncertain Significance.